The following is an entry in ClinVar:

NM_005592.4(MUSK):c.1826del (p.Lys609fs)

Gene: MUSK (muscle associated receptor tyrosine kinase; plus strand). Cytogenetic location: 9q31.3.
Variant type: Deletion.
Coding change: c.1826del on transcript NM_005592.4 (MANE Select); coding-DNA position 1826, one base deleted (A; older notation c.1826delA).
Protein change: p.Lys609fs; shifts the reading frame from lysine 609.
Molecular consequence: frameshift variant.
Genome position (GRCh38, 1-based): chr9:110,787,737, A deleted; the last of 3 consecutive A bases (chr9:110,787,735-110,787,737); deleting any one gives the same sequence. VCF-style (leftmost placement, unchanged base first): chr9-110787734-TA-T. GRCh37 (hg19) VCF-style: chr9-113550014-TA-T.
Other names: c.1568del, p.Lys523fs (NM_001166280.2); c.1538del, p.Lys513fs (NM_001166281.2); c.566del, p.Lys189fs (NM_001369398.1); short protein forms K513fs, K523fs, K609fs, K189fs.
Identifiers: ClinVar variation 2941926 (VCV002941926.3), dbSNP rs2491166486, ClinGen allele CA2740095581.

ClinVar aggregate classification (germline): Pathogenic (1 of 4 stars; one submission).

Conditions:
Congenital myasthenic syndrome 9. Also called: Myasthenic syndrome, congenital, 9, associated with acetylcholine receptor deficiency. Identifiers: Orphanet 590, MedGen C4225368, MONDO:0014587, OMIM 616325.
Fetal akinesia deformation sequence 1 (FADS1). Also called: Fetal akinesia sequence; Pena-Shokeir syndrome type I. Identifiers: Orphanet 994, MedGen C1276035, MONDO:0100101, OMIM 208150, HP:0001989.

Submission:

Labcorp Genetics (formerly Invitae), Labcorp
Classification: Pathogenic for Congenital myasthenic syndrome 9; Fetal akinesia deformation sequence 1. Last evaluated: 2022-11-29. Review status: criteria provided, single submitter. Criteria: Invitae Variant Classification Sherloc (09022015). Collection method: clinical testing. Allele origin: germline.
Comment: This sequence change creates a premature translational stop signal (p.Lys609Argfs*31) in the MUSK gene. While this is not anticipated to result in nonsense mediated decay, it is expected to disrupt the last 261 amino acid(s) of the MUSK protein. This variant is not present in population databases (gnomAD no frequency). This variant has not been reported in the literature in individuals affected with MUSK-related conditions. This variant disrupts a region of the MUSK protein in which other variant(s) (p.Leu821Phe) have been determined to be pathogenic (Invitae). This suggests that this is a clinically significant region of the protein, and that variants that disrupt it are likely to be disease-causing. For these reasons, this variant has been classified as Pathogenic.